The following is an entry in ClinVar:

NM_000136.3(FANCC):c.305C>T (p.Pro102Leu)

Gene: FANCC (FA complementation group C; minus strand). Cytogenetic location: 9q22.32.
Variant type: single nucleotide variant.
Coding change: c.305C>T on transcript NM_000136.3 (MANE Select); coding-DNA position 305, C replaced by T.
Protein change: p.Pro102Leu; replaces proline 102 with leucine.
Molecular consequence: missense variant.
Genome position (GRCh38, 1-based): chr9:95,240,689, G>A on the plus strand (C>T on the coding strand, the complement: FANCC is on the minus strand). VCF-style: chr9-95240689-G-A. GRCh37 (hg19) VCF-style: chr9-98002971-G-A.
Other names: c.305C>T, p.Pro102Leu (NM_001243743.2, NM_001243744.2); short protein forms P102L.
Identifiers: ClinVar variation 1799344 (VCV001799344.4), dbSNP rs1830582825, ClinGen allele CA374339309.

ClinVar aggregate classification (germline): Uncertain significance. Review status: criteria provided, multiple submitters, no conflicts (2 of 4 stars). 2 submissions from 2 submitters: Uncertain significance (2). Last evaluated 2023-04-05.

Conditions:
Hereditary cancer-predisposing syndrome. Also called: Neoplastic Syndromes, Hereditary; Tumor predisposition; Hereditary Cancer Syndrome; Hereditary neoplastic syndrome. Identifiers: Orphanet 140162, MedGen C0027672, MeSH D009386, MONDO:0015356.

Submissions (2):

GeneDx
Classification: Uncertain significance. Last evaluated: 2023-04-05. Review status: criteria provided, single submitter. Criteria: GeneDx Variant Classification Process June 2021. Collection method: clinical testing. Allele origin: germline. Affected: yes.
Comment: Not observed at significant frequency in large population cohorts (gnomAD); In silico analysis supports that this missense variant has a deleterious effect on protein structure/function; Has not been previously published as pathogenic or benign to our knowledge; This variant is associated with the following publications: (PMID: Gordon2000[Book])

Ambry Genetics
Classification: Uncertain significance for Hereditary cancer-predisposing syndrome. Last evaluated: 2022-04-19. Review status: criteria provided, single submitter. Criteria: Ambry Variant Classification Scheme 2023. Collection method: clinical testing. Allele origin: germline.
Comment: The p.P102L variant (also known as c.305C>T), located in coding exon 3 of the FANCC gene, results from a C to T substitution at nucleotide position 305. The proline at codon 102 is replaced by leucine, an amino acid with similar properties. This amino acid position is conserved. In addition, this alteration is predicted to be deleterious by in silico analysis. Since supporting evidence is limited at this time, the clinical significance of this alteration remains unclear.